The following is an entry in ClinVar:

ClinVar aggregate classification (germline): Uncertain significance (1 of 4 stars; one submission).

Conditions:
Autosomal recessive limb-girdle muscular dystrophy type 2J (LGMDR10). Also called: MUSCULAR DYSTROPHY, LIMB-GIRDLE, AUTOSOMAL RECESSIVE 10; Limb-girdle muscular dystrophy, type 2J. Identifiers: Orphanet 140922, MedGen C1837342, MONDO:0012127, OMIM 608807.
Dilated cardiomyopathy 1G (CMD1G). Identifiers: Orphanet 154, MedGen C1858763, MONDO:0011400, OMIM 604145.

gnomAD v4.1: 4 of 1,613,834 alleles (0.00025%); highest among the groups gnomAD compares: Non-Finnish European, 0.00034%; no homozygotes.

Submission:

Labcorp Genetics (formerly Invitae), Labcorp
Classification: Uncertain significance for Dilated cardiomyopathy 1G; Autosomal recessive limb-girdle muscular dystrophy type 2J. Last evaluated: 2025-05-05. Review status: criteria provided, single submitter. Criteria: Invitae Variant Classification Sherloc (09022015). Collection method: clinical testing. Allele origin: germline.
Comment: This sequence change replaces threonine, which is neutral and polar, with isoleucine, which is neutral and non-polar, at codon 33651 of the TTN protein (p.Thr33651Ile). This variant is not present in population databases (gnomAD no frequency). This variant has not been reported in the literature in individuals affected with TTN-related conditions. Experimental studies and prediction algorithms are not available or were not evaluated, and the functional significance of this variant is currently unknown. This variant is located in the M band of TTN (PMID: 25589632). Non-truncating variants in this region may be relevant for neuromuscular disorders, but have not been definitively shown to cause cardiomyopathy (PMID: 23975875). In summary, the available evidence is currently insufficient to determine the role of this variant in disease. Therefore, it has been classified as a Variant of Uncertain Significance.

Literature cited by the submitters: PubMed 25589632; PubMed 23975875.

NM_001267550.2(TTN):c.100952C>T (p.Thr33651Ile)

Genes: TTN-AS1 (TTN antisense RNA 1; plus strand), TTN (titin; minus strand). Cytogenetic location: 2q31.2.
Variant type: single nucleotide variant.
Coding change: c.100952C>T on transcript NM_001267550.2 (MANE Select); coding-DNA position 100952, C replaced by T.
Protein change: p.Thr33651Ile; replaces threonine 33651 with isoleucine.
Molecular consequence: missense variant.
Genome position (GRCh38, 1-based): chr2:178,535,663, G>A on the plus strand (C>T on the coding strand, the complement: TTN is on the minus strand). VCF-style: chr2-178535663-G-A. GRCh37 (hg19) VCF-style: chr2-179400390-G-A.
Other names: c.96029C>T, p.Thr32010Ile (NM_001256850.1); c.73757C>T, p.Thr24586Ile (NM_003319.4); c.93248C>T, p.Thr31083Ile (NM_133378.4); c.74132C>T, p.Thr24711Ile (NM_133432.3); c.74333C>T, p.Thr24778Ile (NM_133437.4); short protein forms T24586I, T31083I, T33651I, T24778I, T32010I, T24711I.
Identifiers: ClinVar variation 4794454 (VCV004794454.1).